The following is an entry in ClinVar:

NM_032607.3(CREB3L3):c.195C>A (p.Ser65Arg)

Gene: CREB3L3 (cAMP responsive element binding protein 3 like 3; plus strand). Cytogenetic location: 19p13.3.
Variant type: single nucleotide variant.
Coding change: c.195C>A on transcript NM_032607.3 (MANE Select); coding-DNA position 195, C replaced by A.
Protein change: p.Ser65Arg; replaces serine 65 with arginine.
Molecular consequence: missense variant.
Genome position (GRCh38, 1-based): chr19:4,157,033, C>A. VCF-style: chr19-4157033-C-A. GRCh37 (hg19) VCF-style: chr19-4157030-C-A.
Other names: c.192C>A, p.Ser64Arg (NM_001271995.2); c.195C>A, p.Ser65Arg (NM_001271996.2, NM_001271997.2); short protein forms S64R, S65R.
Identifiers: ClinVar variation 4753031 (VCV004753031.1).

ClinVar aggregate classification (germline): Uncertain significance (1 of 4 stars; one submission).

gnomAD v4.1: 28 of 1,614,100 alleles (0.0017%); highest among the groups gnomAD compares: Non-Finnish European, 0.0021%; no homozygotes.

Submission:

Labcorp Genetics (formerly Invitae), Labcorp
Classification: Uncertain significance. Last evaluated: 2025-03-27. Review status: criteria provided, single submitter. Criteria: Invitae Variant Classification Sherloc (09022015). Collection method: clinical testing. Allele origin: germline.
Comment: This sequence change replaces serine, which is neutral and polar, with arginine, which is basic and polar, at codon 65 of the CREB3L3 protein (p.Ser65Arg). This variant is not present in population databases (gnomAD no frequency). This variant has not been reported in the literature in individuals affected with CREB3L3-related conditions. Invitae Evidence Modeling of protein sequence and biophysical properties (such as structural, functional, and spatial information, amino acid conservation, physicochemical variation, residue mobility, and thermodynamic stability) indicates that this missense variant is not expected to disrupt CREB3L3 protein function with a negative predictive value of 80%. In summary, the available evidence is currently insufficient to determine the role of this variant in disease. Therefore, it has been classified as a Variant of Uncertain Significance.